The following is an entry in ClinVar:

ClinVar aggregate classification (germline): Pathogenic (1 of 4 stars; one submission).

Submission:

Labcorp Genetics (formerly Invitae), Labcorp
Classification: Pathogenic. Last evaluated: 2024-01-31. Review status: criteria provided, single submitter. Criteria: Invitae Variant Classification Sherloc (09022015). Collection method: clinical testing. Allele origin: germline.
Comment: This sequence change creates a premature translational stop signal (p.Tyr1761*) in the FREM2 gene. It is expected to result in an absent or disrupted protein product. Loss-of-function variants in FREM2 are known to be pathogenic (PMID: 18203166, 26552811). This variant is not present in population databases (gnomAD no frequency). This variant has not been reported in the literature in individuals affected with FREM2-related conditions. For these reasons, this variant has been classified as Pathogenic.

Literature cited by the submitters: PubMed 18203166; PubMed 26552811.

NM_207361.6(FREM2):c.5283C>A (p.Tyr1761Ter)

Gene: FREM2 (FRAS1 related extracellular matrix 2; plus strand). Cytogenetic location: 13q13.3.
Variant type: single nucleotide variant.
Coding change: c.5283C>A on transcript NM_207361.6 (MANE Select); coding-DNA position 5283, C replaced by A.
Protein change: p.Tyr1761Ter; replaces tyrosine 1761 with a stop codon.
Molecular consequence: nonsense.
Genome position (GRCh38, 1-based): chr13:38,764,323, C>A. VCF-style: chr13-38764323-C-A. GRCh37 (hg19) VCF-style: chr13-39338460-C-A.
Other names: short protein forms Y1761*.
Identifiers: ClinVar variation 3637504 (VCV003637504.2).